The following is an entry in ClinVar:

NM_000260.4(MYO7A):c.3959T>C (p.Met1320Thr)

Gene: MYO7A (myosin VIIA; plus strand). Cytogenetic location: 11q13.5.
Variant type: single nucleotide variant.
Coding change: c.3959T>C on transcript NM_000260.4 (MANE Select); coding-DNA position 3959, T replaced by C.
Protein change: p.Met1320Thr; replaces methionine 1320 with threonine.
Molecular consequence: missense variant.
Genome position (GRCh38, 1-based): chr11:77,192,085, T>C. VCF-style: chr11-77192085-T-C. GRCh37 (hg19) VCF-style: chr11-76903130-T-C.
Other names: c.3959T>C, p.Met1320Thr (NM_001127180.2); c.3926T>C, p.Met1309Thr (NM_001369365.1); short protein forms M1309T, M1320T.
Identifiers: ClinVar variation 3611357 (VCV003611357.2).

ClinVar aggregate classification (germline): Uncertain significance (1 of 4 stars; one submission).

Submission:

Labcorp Genetics (formerly Invitae), Labcorp
Classification: Uncertain significance. Last evaluated: 2024-04-09. Review status: criteria provided, single submitter. Criteria: Invitae Variant Classification Sherloc (09022015). Collection method: clinical testing. Allele origin: germline.
Comment: This sequence change replaces methionine, which is neutral and non-polar, with threonine, which is neutral and polar, at codon 1320 of the MYO7A protein (p.Met1320Thr). This variant is not present in population databases (gnomAD no frequency). This variant has not been reported in the literature in individuals affected with MYO7A-related conditions. Advanced modeling of protein sequence and biophysical properties (such as structural, functional, and spatial information, amino acid conservation, physicochemical variation, residue mobility, and thermodynamic stability) performed at Invitae indicates that this missense variant is expected to disrupt MYO7A protein function with a positive predictive value of 95%. In summary, the available evidence is currently insufficient to determine the role of this variant in disease. Therefore, it has been classified as a Variant of Uncertain Significance.